The following is an entry in ClinVar:

ClinVar aggregate classification (germline): Uncertain significance (1 of 4 stars; one submission).

Conditions:
Charcot-Marie-Tooth disease type 4. Also called: Charcot-Marie-Tooth disease, type IV; Charcot-Marie-Tooth, Type 4. Identifiers: Orphanet 64749, MedGen C4082197, MONDO:0018995.

gnomAD v4.1: 3 of 1,613,924 alleles (0.00019%); highest among the groups gnomAD compares: Non-Finnish European, 0.000085%; no homozygotes.

Submission:

Labcorp Genetics (formerly Invitae), Labcorp
Classification: Uncertain significance for Charcot-Marie-Tooth disease type 4. Last evaluated: 2021-12-15. Review status: criteria provided, single submitter. Criteria: Invitae Variant Classification Sherloc (09022015). Collection method: clinical testing. Allele origin: germline.
Comment: In summary, the available evidence is currently insufficient to determine the role of this variant in disease. Therefore, it has been classified as a Variant of Uncertain Significance. This sequence change replaces methionine, which is neutral and non-polar, with leucine, which is neutral and non-polar, at codon 694 of the FIG4 protein (p.Met694Leu). This variant is not present in population databases (gnomAD no frequency). This variant has not been reported in the literature in individuals affected with FIG4-related conditions. Algorithms developed to predict the effect of missense changes on protein structure and function (SIFT, PolyPhen-2, Align-GVGD) all suggest that this variant is likely to be tolerated.

NM_014845.6(FIG4):c.2080A>C (p.Met694Leu)

Gene: FIG4 (FIG4 phosphoinositide 5-phosphatase; plus strand). Cytogenetic location: 6q21.
Variant type: single nucleotide variant.
Coding change: c.2080A>C on transcript NM_014845.6 (MANE Select); coding-DNA position 2080, A replaced by C.
Protein change: p.Met694Leu; replaces methionine 694 with leucine.
Molecular consequence: missense variant.
Genome position (GRCh38, 1-based): chr6:109,786,433, A>C. VCF-style: chr6-109786433-A-C. GRCh37 (hg19) VCF-style: chr6-110107636-A-C.
Other names: short protein forms M694L.
Identifiers: ClinVar variation 2044000 (VCV002044000.4), dbSNP rs143531641, ClinGen allele CA365231996.